The following is an entry in ClinVar:

NM_000384.3(APOB):c.5270T>C (p.Leu1757Pro)

Gene: APOB (apolipoprotein B; minus strand). Cytogenetic location: 2p24.1.
Variant type: single nucleotide variant.
Coding change: c.5270T>C on transcript NM_000384.3 (MANE Select); coding-DNA position 5270, T replaced by C.
Protein change: p.Leu1757Pro; replaces leucine 1757 with proline.
Molecular consequence: missense variant.
Genome position (GRCh38, 1-based): chr2:21,011,598, A>G on the plus strand (T>C on the coding strand, the complement: APOB is on the minus strand). VCF-style: chr2-21011598-A-G. GRCh37 (hg19) VCF-style: chr2-21234470-A-G.
Other names: short protein forms L1757P.
Identifiers: ClinVar variation 1746517 (VCV001746517.2), dbSNP rs2465375548, ClinGen allele CA346005092.
Genomic context (GRCh38, chr2:21,011,598, plus strand): 5'-TCAGAGCTGTAAATGTTGTCAAGTTTTGAAGAGAAGTCCAGTGATAAGCCTGCAATGTTC[A>G]GACTGTTTGTGTGGTCAAATTTCATTTCAGCATATGAGCCCATCATGTCATTTGAGAGCT-3'
Protein context (NP_000375.3, residues 1747-1767): AEMKFDHTNS[Leu1757Pro]NIAGLSLDFS

ClinVar aggregate classification (germline): Uncertain significance (1 of 4 stars; one submission).

Conditions:
Cardiovascular phenotype. Identifiers: MedGen CN230736.

Submission:

Ambry Genetics
Classification: Uncertain significance for Cardiovascular phenotype. Last evaluated: 2021-11-24. Review status: criteria provided, single submitter. Criteria: Ambry Variant Classification Scheme 2023. Collection method: clinical testing. Allele origin: germline.
Comment: The p.L1757P variant (also known as c.5270T>C), located in coding exon 26 of the APOB gene, results from a T to C substitution at nucleotide position 5270. The leucine at codon 1757 is replaced by proline, an amino acid with similar properties. This amino acid position is conserved. In addition, the in silico prediction for this alteration is inconclusive. Since supporting evidence is limited at this time, the clinical significance of this alteration remains unclear.